The following is an entry in ClinVar:

NM_078480.3(PUF60):c.1489ATC[1] (p.Ile498del)

Gene: PUF60 (poly(U) binding splicing factor 60; minus strand). Cytogenetic location: 8q24.3.
Variant type: Microsatellite.
Coding change: c.1489ATC[1] on transcript NM_078480.3 (MANE Select); one copy of the 3-base unit ATC starting at c.1489; the reference has two copies in a row; one copy, 3 bases deleted; also written c.1492_1494del.
Protein change: p.Ile498del; deletes isoleucine 498.
Molecular consequence: inframe deletion.
Genome position (GRCh38, 1-based): chr8:143,816,706-143,816,708, GAT deleted on the plus strand (ATC on the coding strand, the reverse complement: PUF60 is on the minus strand); deleting any 3 consecutive bases within chr8:143,816,706-143,816,713 gives the same sequence; the position shown is the placement nearest the transcript's 3' end. VCF-style (leftmost placement, unchanged base first): chr8-143816705-AGAT-A. GRCh37 (hg19) VCF-style: chr8-144898875-AGAT-A.
Other names: c.1360ATC[1], p.Ile455del (NM_001136033.3); c.1435ATC[1], p.Ile480del (NM_001271096.2); c.1351ATC[1], p.Ile452del (NM_001271097.2); c.1486ATC[1], p.Ile497del (NM_001271098.2); c.1402ATC[1], p.Ile469del (NM_001271099.2); c.1309ATC[1], p.Ile438del (NM_001271100.2); c.1600ATC[1], p.Ile535del (NM_001362895.2, NM_001362896.2); c.1549ATC[1], p.Ile518del (NM_001362897.2); and 3 more; short protein forms I498del, I497del, I481del, I535del, I452del, I469del, I438del, I455del.
Identifiers: ClinVar variation 421110 (VCV000421110.12), dbSNP rs1064794916, ClinGen allele CA16618605.

ClinVar aggregate classification (germline): Conflicting classifications of pathogenicity. Review status: criteria provided, conflicting classifications (1 of 4 stars). 6 submissions from 6 submitters: Likely pathogenic (2); Uncertain significance (4). Last evaluated 2026-10-25.

Conditions:
Inborn genetic diseases. Identifiers: MedGen C0950123, MeSH D030342.
8q24.3 microdeletion syndrome. Also called: CHROMOSOME 8q24.3 DELETION SYNDROME; Verheij syndrome. Identifiers: Orphanet 508488, MedGen C3810023, MONDO:0014263, OMIM 615583.

Submissions (6):

GeneDx
Classification: Likely pathogenic. Last evaluated: 2026-10-25. Review status: criteria provided, single submitter. Criteria: GeneDx Variant Classification Process June 2021. Collection method: clinical testing. Allele origin: germline.
Comment: Reported as a de novo variant with confirmed parentage in an individual from a cohort of patients with developmental disorder in the published literature (PMID: 33057194, 35982159); Not observed at significant frequency in large population cohorts (gnomAD); In-frame deletion of 1 amino acid(s) in a non-repeat region; In silico analysis does not support a benign or deleterious effect of this variant on protein structure/function; This variant is associated with the following publications: (PMID: 35982159, 33057194, 38306576)

Institute of Human Genetics, Cologne University
Classification: Likely pathogenic for 8q24.3 microdeletion syndrome. Last evaluated: 2025-01-22. Review status: criteria provided, single submitter. Criteria: ACMG Guidelines, 2015. Collection method: clinical testing. Allele origin: de novo. Affected: yes.

3billion
Classification: Uncertain significance for 8q24.3 microdeletion syndrome. Last evaluated: 2024-08-22. Review status: criteria provided, single submitter. Criteria: ACMG Guidelines, 2015. Collection method: clinical testing. Allele origin: germline. Affected: yes.
Comment: The variant is not observed in the gnomAD v4.0.0 dataset. Predicted Consequence/Location: Inframe deletion located in a nonrepeat region: predicted to change the length of the protein and disrupt normal protein function. The variant has been reported as of uncertain significance (ClinVar ID: VCV000421110; 3billion dataset). Therefore, this variant is classified as VUS according to the recommendation of ACMG/AMP guideline.

Daryl Scott Lab, Baylor College of Medicine
Classification: Uncertain significance for 8q24.3 microdeletion syndrome. Last evaluated: 2024-04-01. Review status: criteria provided, single submitter. Criteria: ACMG Guidelines, 2015. Collection method: clinical testing. Allele origin: unknown. Observed: 1 heterozygote.
Comment: PM2

Blueprint Genetics
Classification: Uncertain significance. Last evaluated: 2019-12-04. Review status: criteria provided, single submitter. Criteria: ACMG Guidelines, 2015. Collection method: clinical testing. Allele origin: germline.

Ambry Genetics
Classification: Uncertain significance for Inborn genetic diseases. Last evaluated: 2018-01-03. Review status: criteria provided, single submitter. Criteria: Ambry exome assertion method (8-5-2015). Collection method: clinical testing. Allele origin: germline. Affected: yes. Observed: 1 variant allele.